The following is an entry in ClinVar:

NM_001127208.3(TET2):c.804G>C (p.Ser268=)

Genes: TET2 (tet methylcytosine dioxygenase 2; plus strand), TET2-AS1 (TET2 antisense RNA 1; minus strand). Cytogenetic location: 4q24.
Variant type: single nucleotide variant.
Coding change: c.804G>C on transcript NM_001127208.3 (MANE Select); coding-DNA position 804, G replaced by C.
Protein change: p.Ser268=; no amino-acid change (serine 268 retained).
Molecular consequence: synonymous variant.
Genome position (GRCh38, 1-based): chr4:105,234,746, G>C. VCF-style: chr4-105234746-G-C. GRCh37 (hg19) VCF-style: chr4-106155903-G-C.
Other names: c.804G>C, p.Ser268= (NM_017628.4).
Identifiers: ClinVar variation 2149887 (VCV002149887.7), dbSNP rs374509999, ClinGen allele CA3031566.

ClinVar aggregate classification (germline): Likely benign. Review status: criteria provided, multiple submitters, no conflicts (2 of 4 stars). 3 submissions from 3 submitters: Likely benign (2). 1 of the submissions does not count toward it. Last evaluated 2026-01-28.

Conditions:
TET2-related disorder. Also called: TET2-related condition.

Allele frequency attached by ClinVar (database versions not stated): ESP Exome Variant Server 0.00008.
gnomAD v4.1: 539 of 1,613,708 alleles (0.033%); highest among the groups gnomAD compares: Non-Finnish European, 0.041%; no homozygotes.

Submissions (3):

Labcorp Genetics (formerly Invitae), Labcorp
Classification: Likely benign. Last evaluated: 2026-01-28. Review status: criteria provided, single submitter. Criteria: Invitae Variant Classification Sherloc (09022015). Collection method: clinical testing. Allele origin: germline.

Ambry Genetics
Classification: Likely benign. Last evaluated: 2024-10-17. Review status: criteria provided, single submitter. Criteria: Ambry Variant Classification Scheme 2023. Collection method: clinical testing. Allele origin: germline.

PreventionGenetics, part of Exact Sciences
Classification: Likely benign for TET2-related condition. Last evaluated: 2019-02-28. Review status: no assertion criteria provided. Collection method: clinical testing. Allele origin: germline. Not counted in ClinVar's aggregate classification.
Comment: This variant is classified as likely benign based on ACMG/AMP sequence variant interpretation guidelines (Richards et al. 2015 PMID: 25741868, with internal and published modifications).